The following is an entry in ClinVar:

NM_006946.4(SPTBN2):c.4581G>A (p.Met1527Ile)

Gene: SPTBN2 (spectrin beta, non-erythrocytic 2; minus strand). Cytogenetic location: 11q13.2.
Variant type: single nucleotide variant.
Coding change: c.4581G>A on transcript NM_006946.4 (MANE Select); coding-DNA position 4581, G replaced by A.
Protein change: p.Met1527Ile; replaces methionine 1527 with isoleucine.
Molecular consequence: missense variant.
Genome position (GRCh38, 1-based): chr11:66,693,784, C>T on the plus strand (G>A on the coding strand, the complement: SPTBN2 is on the minus strand). VCF-style: chr11-66693784-C-T. GRCh37 (hg19) VCF-style: chr11-66461255-C-T.
Other names: c.4602G>A, p.Met1534Ile (NM_001411025.1); c.4581G>A, p.Met1527Ile (NM_001437541.1); short protein forms M1527I, M1534I.
Identifiers: ClinVar variation 4803510 (VCV004803510.1).

ClinVar aggregate classification (germline): Uncertain significance (1 of 4 stars; one submission).

Submission:

Labcorp Genetics (formerly Invitae), Labcorp
Classification: Uncertain significance. Last evaluated: 2025-05-20. Review status: criteria provided, single submitter. Criteria: Invitae Variant Classification Sherloc (09022015). Collection method: clinical testing. Allele origin: germline.
Comment: This sequence change replaces methionine, which is neutral and non-polar, with isoleucine, which is neutral and non-polar, at codon 1527 of the SPTBN2 protein (p.Met1527Ile). This variant is not present in population databases (gnomAD no frequency). This variant has not been reported in the literature in individuals affected with SPTBN2-related conditions. Invitae Evidence Modeling of protein sequence and biophysical properties (such as structural, functional, and spatial information, amino acid conservation, physicochemical variation, residue mobility, and thermodynamic stability) indicates that this missense variant is not expected to disrupt SPTBN2 protein function with a negative predictive value of 80%. In summary, the available evidence is currently insufficient to determine the role of this variant in disease. Therefore, it has been classified as a Variant of Uncertain Significance.